The following is an entry in ClinVar:

NM_019842.4(KCNQ5):c.310C>A (p.Arg104Ser)

Genes: KCNQ5-DT (KCNQ5 divergent transcript; minus strand), KCNQ5 (potassium voltage-gated channel subfamily Q member 5; plus strand). Cytogenetic location: 6q13.
Variant type: single nucleotide variant.
Coding change: c.310C>A on transcript NM_019842.4 (MANE Select); coding-DNA position 310, C replaced by A.
Protein change: p.Arg104Ser; replaces arginine 104 with serine.
Molecular consequence: missense variant.
Genome position (GRCh38, 1-based): chr6:72,622,499, C>A. VCF-style: chr6-72622499-C-A. GRCh37 (hg19) VCF-style: chr6-73332227-C-A.
Other names: c.310C>A, p.Arg104Ser (NM_001160130.2, NM_001160132.2, NM_001160133.2 and 1 more transcripts); short protein forms R104S.
Identifiers: ClinVar variation 2796718 (VCV002796718.3), dbSNP rs1370793728, ClinGen allele CA364824576.

ClinVar aggregate classification (germline): Uncertain significance (1 of 4 stars; one submission).

Allele frequency attached by ClinVar (database versions not stated): gnomAD exomes below 0.00001; TOPMed below 0.00001; gnomAD 0.00001.
gnomAD v4.1: 2 of 1,610,414 alleles (0.00012%); highest among the groups gnomAD compares: African/African-American, 0.0013%; no homozygotes.

Submission:

Labcorp Genetics (formerly Invitae), Labcorp
Classification: Uncertain significance. Last evaluated: 2023-01-24. Review status: criteria provided, single submitter. Criteria: Invitae Variant Classification Sherloc (09022015). Collection method: clinical testing. Allele origin: germline.
Comment: In summary, the available evidence is currently insufficient to determine the role of this variant in disease. Therefore, it has been classified as a Variant of Uncertain Significance. This sequence change replaces arginine, which is basic and polar, with serine, which is neutral and polar, at codon 104 of the KCNQ5 protein (p.Arg104Ser). This variant is not present in population databases (gnomAD no frequency). This variant has not been reported in the literature in individuals affected with KCNQ5-related conditions. Advanced modeling of protein sequence and biophysical properties (such as structural, functional, and spatial information, amino acid conservation, physicochemical variation, residue mobility, and thermodynamic stability) performed at Invitae indicates that this missense variant is not expected to disrupt KCNQ5 protein function.